The following is an entry in ClinVar:

NM_007294.4(BRCA1):c.2001A>G (p.Gln667=)

Gene: BRCA1 (BRCA1 DNA repair associated; minus strand). Cytogenetic location: 17q21.31.
Variant type: single nucleotide variant.
Coding change: c.2001A>G on transcript NM_007294.4 (MANE Select); coding-DNA position 2001, A replaced by G.
Protein change: p.Gln667=; no amino-acid change (glutamine 667 retained).
Molecular consequence: synonymous variant. On other transcripts: intron variant (137).
Genome position (GRCh38, 1-based): chr17:43,093,530, T>C on the plus strand (A>G on the coding strand, the complement: BRCA1 is on the minus strand). VCF-style: chr17-43093530-T-C. GRCh37 (hg19) VCF-style: chr17-41245547-T-C.
Other names: c.1788A>G, p.Gln596= (NM_001407571.1, NM_001407853.1, NM_001407894.1 and 9 more transcripts); c.2001A>G, p.Gln667= (NM_001407581.1, NM_001407582.1, NM_001407583.1 and 30 more transcripts); c.1998A>G, p.Gln666= (NM_001407587.1, NM_001407590.1, NM_001407591.1 and 22 more transcripts); c.1992A>G, p.Gln664= (NM_001407646.1, NM_001407647.1); c.1878A>G, p.Gln626= (NM_001407648.1, NM_001407664.1, NM_001407665.1 and 19 more transcripts); c.1875A>G, p.Gln625= (NM_001407649.1, NM_001407670.1, NM_001407671.1 and 11 more transcripts); c.1923A>G, p.Gln641= (NM_001407653.1, NM_001407654.1, NM_001407655.1 and 4 more transcripts); c.1920A>G, p.Gln640= (NM_001407659.1, NM_001407660.1, NM_001407661.1 and 1 more transcripts); and 40 more.
Identifiers: ClinVar variation 240779 (VCV000240779.20), dbSNP rs878854937, ClinGen allele CA10583575.

ClinVar aggregate classification (germline): Likely benign. Review status: reviewed by expert panel (3 of 4 stars). 7 submissions from 7 submitters: Likely benign (1). 6 of the submissions do not count toward it. Last evaluated 2017-06-29.

Conditions:
Hereditary breast ovarian cancer syndrome. Also called: Hereditary breast and ovarian cancer syndrome (HBOC); Breast and ovarian cancer; Hereditary breast and ovarian cancer syndrome; Hereditary breast and ovarian cancer; BRCA1- and BRCA2-Associated Hereditary Breast and Ovarian Cancer; Hereditary breast and/or ovarian cancer syndrome. Identifiers: Orphanet 145, MedGen C0677776, MeSH D061325, MONDO:0003582. Disease mechanism: loss of function.
Familial pancreatic carcinoma. Identifiers: Orphanet 1333, MedGen C2931038, MONDO:0015278, OMIM 260350.
Hereditary cancer-predisposing syndrome. Also called: Hereditary Cancer Syndrome; Neoplastic Syndromes, Hereditary; Hereditary neoplastic syndrome; Tumor predisposition. Identifiers: Orphanet 140162, MedGen C0027672, MeSH D009386, MONDO:0015356.
Breast-ovarian cancer, familial, susceptibility to, 1 (BROVCA1). Also called: BRCA1 Hereditary Breast and Ovarian Cancer; OVARIAN CANCER, SUSCEPTIBILITY TO. Identifiers: Orphanet 145, MedGen C2676676, MONDO:0011450, OMIM 604370. Disease mechanism: loss of function.

Submissions (7):

Evidence-based Network for the Interpretation of Germline Mutant Alleles (ENIGMA)
Classification: Likely benign for Breast-ovarian cancer, familial, susceptibility to, 1. Last evaluated: 2017-06-29. Review status: reviewed by expert panel. Criteria: ENIGMA BRCA1/2 Classification Criteria (2017-06-29). Collection method: curation. Allele origin: germline.
Comment: Synonymous substitution variant, with low bioinformatic likelihood to result in a splicing aberration (Splicing prior probability 0.02).

Labcorp Genetics (formerly Invitae), Labcorp
Classification: Likely benign for Hereditary breast ovarian cancer syndrome. Last evaluated: 2025-09-14. Review status: criteria provided, single submitter. Criteria: Invitae Variant Classification Sherloc (09022015). Collection method: clinical testing. Allele origin: germline. Not counted in ClinVar's aggregate classification.

Quest Diagnostics Nichols Institute San Juan Capistrano
Classification: Likely benign. Last evaluated: 2023-09-13. Review status: criteria provided, single submitter. Criteria: Quest Diagnostics criteria. Collection method: clinical testing. Allele origin: unknown. Not counted in ClinVar's aggregate classification.

Department of Pathology and Laboratory Medicine, Sinai Health System
Classification: Likely benign for Hereditary breast ovarian cancer syndrome; Familial pancreatic carcinoma. Last evaluated: 2023-02-01. Review status: criteria provided, single submitter. Criteria: ACMG Guidelines, 2015. Collection method: clinical testing. Allele origin: germline. Affected: yes. Not counted in ClinVar's aggregate classification.

Sema4
Classification: Likely benign for Hereditary cancer-predisposing syndrome. Last evaluated: 2022-01-31. Review status: criteria provided, single submitter. Criteria: Sema4 Curation Guidelines. Collection method: curation. Allele origin: germline. Not counted in ClinVar's aggregate classification.

Ambry Genetics
Classification: Likely benign for Hereditary cancer-predisposing syndrome. Last evaluated: 2021-05-17. Review status: criteria provided, single submitter. Criteria: Ambry Variant Classification Scheme 2023. Collection method: clinical testing. Allele origin: germline. Not counted in ClinVar's aggregate classification.

Color Diagnostics, LLC DBA Color Health
Classification: Likely benign for Hereditary cancer-predisposing syndrome. Last evaluated: 2018-04-03. Review status: criteria provided, single submitter. Criteria: ACMG Guidelines, 2015. Collection method: clinical testing. Allele origin: germline. Not counted in ClinVar's aggregate classification.